The following is an entry in ClinVar:

ClinVar aggregate classification (germline): Likely benign (0 of 4 stars; one submission).

Conditions:
EDC3-related disorder. Also called: EDC3-related condition.

Allele frequency attached by ClinVar (database versions not stated): gnomAD 0.00003; gnomAD exomes 0.00003; TOPMed 0.00004; ExAC 0.00007.
gnomAD v4.1: 51 of 1,614,124 alleles (0.0032%); highest among the groups gnomAD compares: Admixed American, 0.045%; no homozygotes.

Submission:

PreventionGenetics, part of Exact Sciences
Classification: Likely benign for EDC3-related condition. Last evaluated: 2019-11-12. Review status: no assertion criteria provided. Collection method: clinical testing. Allele origin: germline.
Comment: This variant is classified as likely benign based on ACMG/AMP sequence variant interpretation guidelines (Richards et al. 2015 PMID: 25741868, with internal and published modifications).

NM_025083.5(EDC3):c.1389G>A (p.Leu463=)

Gene: EDC3 (enhancer of mRNA decapping 3; minus strand). Cytogenetic location: 15q24.1.
Variant type: single nucleotide variant.
Coding change: c.1389G>A on transcript NM_025083.5 (MANE Select); coding-DNA position 1389, G replaced by A.
Protein change: p.Leu463=; no amino-acid change (leucine 463 retained).
Molecular consequence: synonymous variant.
Genome position (GRCh38, 1-based): chr15:74,632,750, C>T on the plus strand (G>A on the coding strand, the complement: EDC3 is on the minus strand). VCF-style: chr15-74632750-C-T. GRCh37 (hg19) VCF-style: chr15-74925091-C-T.
Other names: c.1389G>A, p.Leu463= (NM_001142443.3, NM_001142444.3, NM_001351378.2); c.954G>A, p.Leu318= (NM_001351379.2).
Identifiers: ClinVar variation 3045617 (VCV003045617.2), dbSNP rs764673612, ClinGen allele CA7658892.
Genomic context (GRCh38, chr15:74,632,750, plus strand): 5'-CTGGGGAATGCCAATGTCGCACAAATAGATACGGCCTGCGTGCTCCCCCAGTGGCAGAGG[C>T]AGGCCCAGTGCCAGTGACCATTTGGCATCAATGCCCTGTTCGACTTCATGCACAGGAGGG-3'
Protein context (NP_079359.2, residues 453-473): IDAKWSLALG[Leu463=]PLPLGEHAGR